The following is an entry in ClinVar:

NM_144670.6(A2ML1):c.4221+3A>G

Gene: A2ML1 (alpha-2-macroglobulin like 1; plus strand). Cytogenetic location: 12p13.31.
Variant type: single nucleotide variant.
Coding change: c.4221+3A>G on transcript NM_144670.6 (MANE Select); 3 bases into the intron after coding-DNA position 4221, A replaced by G.
Molecular consequence: intron variant.
Genome position (GRCh38, 1-based): chr12:8,869,206, A>G. VCF-style: chr12-8869206-A-G. GRCh37 (hg19) VCF-style: chr12-9021802-A-G.
Other names: c.2748+3A>G (NM_001282424.3).
Identifiers: ClinVar variation 4760889 (VCV004760889.1).

ClinVar aggregate classification (germline): Uncertain significance (1 of 4 stars; one submission).

gnomAD v4.1: 7 of 1,613,886 alleles (0.00043%); highest among the groups gnomAD compares: African/African-American, 0.0093%; no homozygotes.

Submission:

Labcorp Genetics (formerly Invitae), Labcorp
Classification: Uncertain significance. Last evaluated: 2025-10-22. Review status: criteria provided, single submitter. Criteria: Invitae Variant Classification Sherloc (09022015). Collection method: clinical testing. Allele origin: germline.
Comment: This sequence change falls in intron 33 of the A2ML1 gene. It does not directly change the encoded amino acid sequence of the A2ML1 protein. It affects a nucleotide within the consensus splice site. This variant is not present in population databases (gnomAD no frequency). This variant has not been reported in the literature in individuals affected with A2ML1-related conditions. Variants that disrupt the consensus splice site are a relatively common cause of aberrant splicing (PMID: 17576681, 9536098). Algorithms developed to predict the effect of sequence changes on RNA splicing suggest that this variant is not likely to affect RNA splicing. In summary, the available evidence is currently insufficient to determine the role of this variant in disease. Therefore, it has been classified as a Variant of Uncertain Significance.

Literature cited by the submitters: PubMed 17576681; PubMed 9536098.